The following is an entry in ClinVar:

ClinVar aggregate classification (germline): Pathogenic (1 of 4 stars; one submission).

Submission:

Labcorp Genetics (formerly Invitae), Labcorp
Classification: Pathogenic. Last evaluated: 2022-08-30. Review status: criteria provided, single submitter. Criteria: Invitae Variant Classification Sherloc (09022015). Collection method: clinical testing. Allele origin: germline.
Comment: This variant is not present in population databases (gnomAD no frequency). ClinVar contains an entry for this variant (Variation ID: 1394209). This variant has not been reported in the literature in individuals affected with ACAD9-related conditions. This sequence change creates a premature translational stop signal (p.Phe275Leufs*23) in the ACAD9 gene. It is expected to result in an absent or disrupted protein product. Loss-of-function variants in ACAD9 are known to be pathogenic (PMID: 25721401). For these reasons, this variant has been classified as Pathogenic.

Literature cited by the submitters: PubMed 25721401.

NM_014049.5(ACAD9):c.825del (p.Phe275fs)

Gene: ACAD9 (acyl-CoA dehydrogenase family member 9; plus strand). Cytogenetic location: 3q21.3.
Variant type: Deletion.
Coding change: c.825del on transcript NM_014049.5 (MANE Select); coding-DNA position 825, one base deleted (T; older notation c.825delT).
Protein change: p.Phe275fs; shifts the reading frame from phenylalanine 275.
Molecular consequence: frameshift variant. On other transcripts: non-coding transcript variant (1).
Genome position (GRCh38, 1-based): chr3:128,901,292, T deleted; the last of 4 consecutive T bases (chr3:128,901,289-128,901,292); deleting any one gives the same sequence. VCF-style (leftmost placement, unchanged base first): chr3-128901288-AT-A. GRCh37 (hg19) VCF-style: chr3-128620131-AT-A.
Other names: short protein forms F275fs.
Identifiers: ClinVar variation 1394209 (VCV001394209.8), dbSNP rs2107655510, ClinGen allele CA2573136485.